The following is an entry in ClinVar:

NM_002691.4(POLD1):c.1061C>T (p.Ala354Val)

Gene: POLD1 (DNA polymerase delta 1, catalytic subunit; plus strand). Cytogenetic location: 19q13.33.
Variant type: single nucleotide variant.
Coding change: c.1061C>T on transcript NM_002691.4 (MANE Select); coding-DNA position 1061, C replaced by T.
Protein change: p.Ala354Val; replaces alanine 354 with valine.
Molecular consequence: missense variant. On other transcripts: non-coding transcript variant (1).
Genome position (GRCh38, 1-based): chr19:50,403,143, C>T. VCF-style: chr19-50403143-C-T. GRCh37 (hg19) VCF-style: chr19-50906400-C-T.
Other names: c.1061C>T, p.Ala354Val (NM_001256849.1, NM_001308632.1); short protein forms A354V.
Identifiers: ClinVar variation 239218 (VCV000239218.26), dbSNP rs140990974, ClinGen allele CA9596013.

ClinVar aggregate classification (germline): Conflicting classifications of pathogenicity. Review status: criteria provided, conflicting classifications (1 of 4 stars). 10 submissions from 10 submitters: Uncertain significance (1); Benign (1); Likely benign (6). 2 of the submissions do not count toward it. Last evaluated 2026-03-05.

Conditions:
Hereditary cancer-predisposing syndrome. Also called: Hereditary Cancer Syndrome; Neoplastic Syndromes, Hereditary; Hereditary neoplastic syndrome; Tumor predisposition. Identifiers: Orphanet 140162, MedGen C0027672, MeSH D009386, MONDO:0015356.
POLD1-related polyposis and colorectal cancer syndrome (CRCS10). Also called: COLORECTAL CANCER, SUSCEPTIBILITY TO, ON CHROMOSOME 19q; Colorectal cancer 10; Colorectal cancer, susceptibility to, 10. Identifiers: Orphanet 220460, MedGen C2675481, MONDO:0012953, OMIM 612591.
POLD1-related disorder. Also called: POLD1-related condition; POLD1-related disorders.

Allele frequency attached by ClinVar (database versions not stated): gnomAD exomes 0.00004 and 0.00011; ExAC 0.00045; TOPMed 0.00045; gnomAD 0.00049 and 0.00051; ESP Exome Variant Server 0.00054; 1000 Genomes Project 30x 0.00062; 1000 Genomes Project 0.00100.
gnomAD v4.1: 127 of 1,561,188 alleles (0.0081%); highest among the groups gnomAD compares: African/African-American, 0.16%; no homozygotes.

Submissions (10):

Myriad Genetics, Inc.
Classification: Likely benign for POLD1-related polyposis and colorectal cancer syndrome. Last evaluated: 2026-03-05. Review status: criteria provided, single submitter. Criteria: Myriad Autosomal Dominant, Autosomal Recessive and X-Linked Classification Criteria (2023). Collection method: clinical testing. Allele origin: unknown.
Comment: This variant is considered likely benign. This variant has been observed at a population frequency that is significantly greater than expected given the associated disease prevalence and penetrance.

Labcorp Genetics (formerly Invitae), Labcorp
Classification: Likely benign for POLD1-related polyposis and colorectal cancer syndrome. Last evaluated: 2026-02-03. Review status: criteria provided, single submitter. Criteria: Invitae Variant Classification Sherloc (09022015). Collection method: clinical testing. Allele origin: germline.

Blueprint Genetics
Classification: Uncertain significance. Last evaluated: 2024-08-02. Review status: criteria provided, single submitter. Criteria: ACMG Guidelines, 2015. Collection method: clinical testing. Allele origin: germline.

Quest Diagnostics Nichols Institute San Juan Capistrano
Classification: Benign. Last evaluated: 2022-12-15. Review status: criteria provided, single submitter. Criteria: Quest Diagnostics criteria. Collection method: clinical testing. Allele origin: unknown.

GeneDx
Classification: Likely benign. Last evaluated: 2021-06-03. Review status: criteria provided, single submitter. Criteria: GeneDx Variant Classification Process June 2021. Collection method: clinical testing. Allele origin: germline. Affected: yes.

Sema4
Classification: Likely benign for Hereditary cancer-predisposing syndrome. Last evaluated: 2021-05-18. Review status: criteria provided, single submitter. Criteria: Sema4 Curation Guidelines. Collection method: curation. Allele origin: germline.

Women's Health and Genetics/Laboratory Corporation of America, LabCorp
Classification: Likely benign. Last evaluated: 2018-08-13. Review status: criteria provided, single submitter. Criteria: LabCorp Variant Classification Summary - May 2015. Collection method: clinical testing. Allele origin: germline.
Comment: Variant summary: POLD1 c.1061C>T (p.Ala354Val) results in a non-conservative amino acid change located in the exonuclease domain (IPR006133) of the encoded protein sequence. Two of four in-silico tools predict a benign effect of the variant on protein function. The variant allele was found at a frequency of 0.00014 in 191816 control chromosomes (gnomAD). The observed variant frequency is approximately 10 fold of the estimated maximal expected allele frequency for a pathogenic variant in POLD1 causing Colorectal Cancer phenotype (1.4e-05), strongly suggesting that the variant is benign. To our knowledge, no occurrence of c.1061C>T in individuals affected with Colorectal Cancer and no experimental evidence demonstrating its impact on protein function have been reported. Four clinical diagnostic laboratories have submitted clinical-significance assessments for this variant to ClinVar after 2014 without evidence for independent evaluation. Multiple laboratories reported the variant with conflicting assessments (Likely benign (2x), VUS (2x)). Based on the evidence outlined above, the variant was classified as likely benign.

Ambry Genetics
Classification: Likely benign for Hereditary cancer-predisposing syndrome. Last evaluated: 2018-07-19. Review status: criteria provided, single submitter. Criteria: Ambry Variant Classification Scheme 2023. Collection method: clinical testing. Allele origin: germline.

PreventionGenetics, part of Exact Sciences
Classification: Likely benign for POLD1-related condition. Last evaluated: 2022-11-07. Review status: no assertion criteria provided. Collection method: clinical testing. Allele origin: germline. Not counted in ClinVar's aggregate classification.
Comment: This variant is classified as likely benign based on ACMG/AMP sequence variant interpretation guidelines (Richards et al. 2015 PMID: 25741868, with internal and published modifications).

True Health Diagnostics
Classification: Uncertain significance for Hereditary cancer-predisposing syndrome. Last evaluated: 2018-01-03. Review status: no assertion criteria provided. Collection method: clinical testing. Allele origin: germline. Not counted in ClinVar's aggregate classification.